The following is an entry in ClinVar:

NM_001276270.2(MBD4):c.314G>T (p.Arg105Ile)

Gene: MBD4 (methyl-CpG binding domain 4, DNA glycosylase; minus strand). Cytogenetic location: 3q21.3.
Variant type: single nucleotide variant.
Coding change: c.314G>T on transcript NM_001276270.2 (MANE Select); coding-DNA position 314, G replaced by T.
Protein change: p.Arg105Ile; replaces arginine 105 with isoleucine.
Molecular consequence: missense variant. On other transcripts: intron variant (1).
Genome position (GRCh38, 1-based): chr3:129,437,741, C>A on the plus strand (G>T on the coding strand, the complement: MBD4 is on the minus strand). VCF-style: chr3-129437741-C-A. GRCh37 (hg19) VCF-style: chr3-129156584-C-A.
Other names: c.314G>T, p.Arg105Ile (NM_001276271.2, NM_001276272.2, NM_003925.3); c.247+67G>T (NM_001276273.2); short protein forms R105I.
Identifiers: ClinVar variation 4104674 (VCV004104674.1).
Genomic context (GRCh38, chr3:129,437,741, plus strand): 5'-TCATTTGGCTGTACTATCTTTACCATCTTATATGCTTACCTGATAAAGTACACATCAAAT[C>A]TTCCTGCTGTCTTCCCAAATAACCTTTGCTTCACAACTCTTTCCCATCCACATGGGACAG-3'
Protein context (NP_001263199.1, residues 95-115): KQRLFGKTAG[Arg105Ile]FDVYFISPQG

ClinVar aggregate classification (germline): Uncertain significance (1 of 4 stars; one submission).

Conditions:
Inborn genetic diseases. Identifiers: MedGen C0950123, MeSH D030342.

Submission:

Ambry Genetics
Classification: Uncertain significance for Inborn genetic diseases. Last evaluated: 2025-09-01. Review status: criteria provided, single submitter. Criteria: Ambry Variant Classification Scheme 2023. Collection method: clinical testing. Allele origin: germline.
Comment: The p.R105I variant (also known as c.314G>T), located in coding exon 2 of the MBD4 gene, results from a G to T substitution at nucleotide position 314. The arginine at codon 105 is replaced by isoleucine, an amino acid with similar properties. This amino acid position is conserved. In addition, the in silico prediction for this alteration is inconclusive. Based on the available evidence, the clinical significance of this variant remains unclear.